The following is an entry in ClinVar:

ClinVar aggregate classification (germline): Conflicting classifications of pathogenicity. Review status: criteria provided, conflicting classifications (1 of 4 stars). 4 submissions from 4 submitters: Uncertain significance (2); Likely benign (1). 1 of the submissions does not count toward it. Last evaluated 2022-07-12.

Conditions:
FREM1-related disorder. Also called: FREM1-Related Disorders; FREM1-related condition.
Oculotrichoanal syndrome (MOTA). Also called: Manitoba Oculotrichoanal (MOTA) Syndrome; MARLES SYNDROME. Identifiers: Orphanet 2717, MedGen C1855425, MONDO:0009560, OMIM 248450.

Allele frequency attached by ClinVar (database versions not stated): TOPMed 0.00009; gnomAD 0.00013 and 0.00014; gnomAD exomes 0.00027; 1000 Genomes Project 30x 0.00031; ExAC 0.00042; ESP Exome Variant Server 0.00042.
gnomAD v4.1: 232 of 1,588,760 alleles (0.015%); highest among the groups gnomAD compares: Non-Finnish European, 0.018%; no homozygotes.

Submissions (4):

Labcorp Genetics (formerly Invitae), Labcorp
Classification: Likely benign. Last evaluated: 2022-07-12. Review status: criteria provided, single submitter. Criteria: Invitae Variant Classification Sherloc (09022015). Collection method: clinical testing. Allele origin: germline.

Illumina Laboratory Services, Illumina
Classification: Uncertain significance for Oculotrichoanal syndrome. Last evaluated: 2018-01-12. Review status: criteria provided, single submitter. Criteria: ICSL Variant Classification Criteria 13 December 2019. Collection method: clinical testing. Allele origin: germline.

Eurofins Ntd Llc (ga)
Classification: Uncertain significance. Last evaluated: 2016-03-12. Review status: criteria provided, single submitter. Criteria: EGL Classification Definitions 2015. Collection method: clinical testing. Allele origin: germline. Observed: 1 variant allele, 1 heterozygote.

PreventionGenetics, part of Exact Sciences
Classification: Likely benign for FREM1-related condition. Last evaluated: 2019-06-12. Review status: no assertion criteria provided. Collection method: clinical testing. Allele origin: germline. Not counted in ClinVar's aggregate classification.
Comment: This variant is classified as likely benign based on ACMG/AMP sequence variant interpretation guidelines (Richards et al. 2015 PMID: 25741868, with internal and published modifications).

NM_001379081.2(FREM1):c.3471+9C>T

Gene: FREM1 (FRAS1 related extracellular matrix 1; minus strand). Cytogenetic location: 9p22.3.
Variant type: single nucleotide variant.
Coding change: c.3471+9C>T on transcript NM_001379081.2 (MANE Select); 9 bases into the intron after coding-DNA position 3471, C replaced by T.
Molecular consequence: intron variant.
Genome position (GRCh38, 1-based): chr9:14,804,947, G>A on the plus strand (C>T on the coding strand, the complement: FREM1 is on the minus strand). VCF-style: chr9-14804947-G-A. GRCh37 (hg19) VCF-style: chr9-14804945-G-A.
Other names: c.3471+9C>T (NM_144966.7).
Identifiers: ClinVar variation 286424 (VCV000286424.18), dbSNP rs377668876, ClinGen allele CA4990554.